The following is an entry in ClinVar:

ClinVar aggregate classification (germline): Pathogenic (1 of 4 stars; one submission).

Conditions:
Catecholaminergic polymorphic ventricular tachycardia 1. Also called: RYR2-Related Catecholaminergic Polymorphic Ventricular Tachycardia; VENTRICULAR TACHYCARDIA, CATECHOLAMINERGIC POLYMORPHIC, 1, WITH OR WITHOUT ATRIAL DYSFUNCTION AND/OR DILATED CARDIOMYOPATHY; VENTRICULAR TACHYCARDIA, STRESS-INDUCED POLYMORPHIC 1. Identifiers: Orphanet 3286, MedGen C1631597, MONDO:0011484, OMIM 604772.

Submission:

Labcorp Genetics (formerly Invitae), Labcorp
Classification: Pathogenic for Catecholaminergic polymorphic ventricular tachycardia 1. Last evaluated: 2024-01-02. Review status: criteria provided, single submitter. Criteria: Invitae Variant Classification Sherloc (09022015). Collection method: clinical testing. Allele origin: germline.
Comment: This sequence change replaces isoleucine, which is neutral and non-polar, with methionine, which is neutral and non-polar, at codon 4862 of the RYR2 protein (p.Ile4862Met). This variant is not present in population databases (gnomAD no frequency). This missense change has been observed in individual(s) with RYR2-related conditions (Invitae). In at least one individual the variant was observed to be de novo. ClinVar contains an entry for this variant (Variation ID: 566084). Advanced modeling of protein sequence and biophysical properties (such as structural, functional, and spatial information, amino acid conservation, physicochemical variation, residue mobility, and thermodynamic stability) performed at Invitae indicates that this missense variant is expected to disrupt RYR2 protein function with a positive predictive value of 95%. This variant disrupts the p.Ile4862 amino acid residue in RYR2. Other variant(s) that disrupt this residue have been determined to be pathogenic (Invitae). This suggests that this residue is clinically significant, and that variants that disrupt this residue are likely to be disease-causing. For these reasons, this variant has been classified as Pathogenic.

NM_001035.3(RYR2):c.14586A>G (p.Ile4862Met)

Gene: RYR2 (ryanodine receptor 2; plus strand). Cytogenetic location: 1q43.
Variant type: single nucleotide variant.
Coding change: c.14586A>G on transcript NM_001035.3 (MANE Select); coding-DNA position 14586, A replaced by G.
Protein change: p.Ile4862Met; replaces isoleucine 4862 with methionine.
Molecular consequence: missense variant.
Genome position (GRCh38, 1-based): chr1:237,819,188, A>G. VCF-style: chr1-237819188-A-G. GRCh37 (hg19) VCF-style: chr1-237982488-A-G.
Other names: c.14586A>G, p.Ile4862Met (LRG_402t1); short protein forms I4862M.
Identifiers: ClinVar variation 566084 (VCV000566084.10), dbSNP rs1558481148, ClinGen allele CA345426847.